The following is an entry in ClinVar:

ClinVar aggregate classification (germline): Pathogenic (1 of 4 stars; one submission).

Conditions:
Hereditary cancer-predisposing syndrome. Also called: Neoplastic Syndromes, Hereditary; Tumor predisposition; Hereditary neoplastic syndrome; Hereditary Cancer Syndrome. Identifiers: Orphanet 140162, MedGen C0027672, MeSH D009386, MONDO:0015356.

Submission:

Ambry Genetics
Classification: Pathogenic for Hereditary cancer-predisposing syndrome. Last evaluated: 2023-01-23. Review status: criteria provided, single submitter. Criteria: Ambry Variant Classification Scheme 2023. Collection method: clinical testing. Allele origin: germline.
Comment: The p.L1230* variant (also known as c.3689T>A), located in coding exon 9 of the BRCA1 gene, results from a T to A substitution at nucleotide position 3689. This changes the amino acid from a leucine to a stop codon within coding exon 9. This alteration is expected to result in loss of function by premature protein truncation or nonsense-mediated mRNA decay. As such, this alteration is interpreted as a disease-causing mutation.

NM_007294.4(BRCA1):c.3689T>A (p.Leu1230Ter)

Genes: BRCA1 (BRCA1 DNA repair associated; minus strand), LOC126862571 (BRD4-independent group 4 enhancer GRCh37_chr17:41243136-41244335; plus strand). Cytogenetic location: 17q21.31.
Variant type: single nucleotide variant.
Coding change: c.3689T>A on transcript NM_007294.4 (MANE Select); coding-DNA position 3689, T replaced by A.
Protein change: p.Leu1230Ter; replaces leucine 1230 with a stop codon.
Molecular consequence: nonsense. On other transcripts: intron variant (135).
Genome position (GRCh38, 1-based): chr17:43,091,842, A>T on the plus strand (T>A on the coding strand, the complement: BRCA1 is on the minus strand). VCF-style: chr17-43091842-A-T. GRCh37 (hg19) VCF-style: chr17-41243859-A-T.
Other names: c.3689T>A, p.Leu1230Ter (NM_001407619.1, NM_001407620.1, NM_001407621.1 and 30 more transcripts); c.587-810T>A (NM_001408476.1, NM_001408474.1); c.710-810T>A (NM_001408409.1, NM_001408412.1, NM_001408414.1 and 2 more transcripts); c.575-810T>A (NM_001408493.1, NM_001408490.1, NM_001408491.1); c.578-810T>A (NM_001408479.1, NM_001408489.1, NM_001408481.1 and 9 more transcripts); c.662-810T>A (NM_001408445.1, NM_001408432.1, NM_001408446.1 and 6 more transcripts); c.3686T>A, p.Leu1229Ter (NM_001407627.1, NM_001407628.1, NM_001407587.1 and 22 more transcripts); c.455-810T>A (NM_001408502.1); and 41 more; short protein forms L1062*, L1102*, L1159*, L1162*, L1163*, L1183*, L1188*, L1189*.
Identifiers: ClinVar variation 2450679 (VCV002450679.2), dbSNP rs80357162, ClinGen allele CA10594586.
Genomic context (GRCh38, chr17:43,091,842, plus strand): 5'-TCGGTAGCAACGGTGCTATGCCTAGTAGACTGAGAAGGTATATTGTTTACTTTACCAAAT[A>T]ACAAGTGTTGGAAGCAGGGAAGCTCTTCATCCTCACTAGATAAGTTCTCTTCTGAGGACT-3'